The following is an entry in ClinVar:

ClinVar aggregate classification (germline): Likely pathogenic (1 of 4 stars; one submission).

Conditions:
Frontotemporal dementia and/or amyotrophic lateral sclerosis 1 (FTDALS1). Also called: C9orf72 Frontotemporal Dementia and/or Amyotrophic Lateral Sclerosis; Frontotemporal dementia with motor neuron disease 1. Identifiers: Orphanet 275872, MedGen C5779877, MONDO:0007105, OMIM 105550.
Paget disease of bone 2, early-onset (PDB2). Also called: Paget disease of bone 2. Identifiers: MedGen C4085251, MONDO:0011183, OMIM 602080.

Submission:

Labcorp Genetics (formerly Invitae), Labcorp
Classification: Likely pathogenic for Paget disease of bone 2, early-onset; Frontotemporal dementia and/or amyotrophic lateral sclerosis 1. Last evaluated: 2022-12-28. Review status: criteria provided, single submitter. Criteria: Invitae Variant Classification Sherloc (09022015). Collection method: clinical testing. Allele origin: germline.
Comment: This variant has not been reported in the literature in individuals affected with SQSTM1-related conditions. This variant results in the deletion of part of exon 1 (c.185_205+48delins120) of the SQSTM1 gene. It is expected to disrupt RNA splicing. Variants that disrupt the donor or acceptor splice site typically lead to a loss of protein function (PMID: 16199547), and loss-of-function variants in SQSTM1 are known to be pathogenic (PMID: 27545679, 29959261). This variant is not present in population databases (gnomAD no frequency). In summary, the currently available evidence indicates that the variant is pathogenic, but additional data are needed to prove that conclusively. Therefore, this variant has been classified as Likely Pathogenic.

Literature cited by the submitters: PubMed 16199547; PubMed 27545679; PubMed 29959261.

NM_003900.5(SQSTM1):c.185_205+48delinsCACTACAGAGGTCCTGGTCTGTGCGGGGGCCTCCAGGCCTTCTGCGCTGCAGCCACTGCGCTGTGTCCCCTGTGATTGTCAATCTCCCTAAAGATGGCCCAGAGCAGTGCGGCCTGAATC

Genes: SQSTM1 (sequestosome 1; plus strand), LOC129995449 (ATAC-STARR-seq lymphoblastoid silent region 16749; plus strand). Cytogenetic location: 5q35.3.
Variant type: Indel.
Coding change: c.185_205+48delinsCACTACAGAGGTCCTGGTCTGTGCGGGGGCCTCCAGGCCTTCTGCGCTGCAGCCACTGCGCTGTGTCCCCTGTGATTGTCAATCTCCCTAAAGATGGCCCAGAGCAGTGCGGCCTGAATC on transcript NM_003900.5 (MANE Select); coding-DNA position 185 through 48 bases into the intron after coding-DNA position 205, the reference bases replaced by an inserted sequence.
Molecular consequence: splice donor variant. On other transcripts: intron variant (2).
Genome position (GRCh38, 1-based): chr5:179,821,121-179,821,189, 69 bases replaced. GRCh37 (hg19): chr5:179,248,121-179,248,189.
Other names: c.-47-1837_-47-1769delinsCACTACAGAGGTCCTGGTCTGTGCGGGGGCCTCCAGGCCTTCTGCGCTGCAGCCACTGCGCTGTGTCCCCTGTGATTGTCAATCTCCCTAAAGATGGCCCAGAGCAGTGCGGCCTGAATC (NM_001142298.2, NM_001142299.2).
Identifiers: ClinVar variation 2942752 (VCV002942752.3), dbSNP rs2480199584, ClinGen allele CA2740094207.